The following is an entry in ClinVar:

NM_006514.4(SCN10A):c.4354A>T (p.Lys1452Ter)

Gene: SCN10A (sodium voltage-gated channel alpha subunit 10; minus strand). Cytogenetic location: 3p22.2.
Variant type: single nucleotide variant.
Coding change: c.4354A>T on transcript NM_006514.4 (MANE Select); coding-DNA position 4354, A replaced by T.
Protein change: p.Lys1452Ter; replaces lysine 1452 with a stop codon.
Molecular consequence: nonsense.
Genome position (GRCh38, 1-based): chr3:38,707,311, T>A on the plus strand (A>T on the coding strand, the complement: SCN10A is on the minus strand). VCF-style: chr3-38707311-T-A. GRCh37 (hg19) VCF-style: chr3-38748802-T-A.
Other names: c.4351A>T, p.Lys1451Ter (NM_001293306.2); c.4060A>T, p.Lys1354Ter (NM_001293307.2); short protein forms K1452*, K1354*, K1451*.
Identifiers: ClinVar variation 3950846 (VCV003950846.1).
Genomic context (GRCh38, chr3:38,707,311, plus strand): 5'-TGTGCTAGAGGAAACCTCTGGGGCTCACCAGGGGCCGTGGGATGGGCTTCTGGGGCTTCT[T>A]GGAGCCCAACTTCTTCATGGCATTGTAGTATTTCTTCTGCTCCTCTGTCATGAAGATGTC-3'

ClinVar aggregate classification (germline): Uncertain significance (1 of 4 stars; one submission).

Conditions:
Cardiovascular phenotype. Identifiers: MedGen CN230736.

gnomAD v4.1: 11 of 1,614,090 alleles (0.00068%); highest among the groups gnomAD compares: South Asian, 0.0011%; no homozygotes.

Submission:

Ambry Genetics
Classification: Uncertain significance for Cardiovascular phenotype. Last evaluated: 2025-05-03. Review status: criteria provided, single submitter. Criteria: Ambry Variant Classification Scheme 2023. Collection method: clinical testing. Allele origin: germline.
Comment: The p.K1452* variant (also known as c.4354A>T), located in coding exon 25 of the SCN10A gene, results from an A to T substitution at nucleotide position 4354. This changes the amino acid from a lysine to a stop codon within coding exon 25. This alteration is expected to result in protein truncation or nonsense-mediated mRNA decay. However, loss of function of SCN10A has not been established as a mechanism of disease. The evidence for this gene-disease relationship is limited; therefore, the clinical significance of this alteration is unclear.